The following is an entry in ClinVar:

ClinVar aggregate classification (germline): Likely pathogenic (1 of 4 stars; one submission).

Submission:

Dasa
Classification: Likely pathogenic. Last evaluated: 2026-03-17. Review status: criteria provided, single submitter. Criteria: DASA Assertion Criteria. Collection method: clinical testing. Allele origin: germline.
Comment: NM_001382.4(DPAGT1):c.456del (p.Lys153Serfs*35) is a frameshift variant in DPAGT1 predicted to alter the reading frame and introduce a premature termination codon and is predicted to result in an absent or altered protein product. Loss of function is an established disease mechanism for DPAGT1-associated disorders. Also, this variant is rare in population databases. Based on the currently available evidence, this variant is classified as likely pathogenic.

NM_001382.4(DPAGT1):c.456del (p.Lys153fs)

Gene: DPAGT1 (dolichyl-phosphate N-acetylglucosaminephosphotransferase 1; minus strand). Cytogenetic location: 11q23.3.
Variant type: Deletion.
Coding change: c.456del on transcript NM_001382.4 (MANE Select); coding-DNA position 456, one base deleted (C; older notation c.456delC).
Protein change: p.Lys153fs; shifts the reading frame from lysine 153.
Molecular consequence: frameshift variant.
Genome position (GRCh38, 1-based): chr11:119,100,670, G deleted on the plus strand (C on the coding strand, the reverse complement: DPAGT1 is on the minus strand); the first of 3 consecutive G bases (chr11:119,100,670-119,100,672); deleting any one gives the same sequence. VCF-style (leftmost placement, unchanged base first): chr11-119100669-TG-T. GRCh37 (hg19) VCF-style: chr11-118971379-TG-T.
Other names: short protein forms K153fs.
Identifiers: ClinVar variation 4880576 (VCV004880576.2).
Genomic context (GRCh38, chr11:119,100,669, plus strand): 5'-AGCAGTGGTAGGACTACCTACCCAAGTCCAGATGCAGGCCAAGTATCGGGCGGAAGGGCT[TG>T]GGCACCACAATGGTCGTGTTGCCAAAGTTGGTGAAATAGACCATGAGGAGAGGTAGTGAG-3'